The following is an entry in ClinVar:

ClinVar aggregate classification (germline): Benign. Review status: criteria provided, multiple submitters, no conflicts (2 of 4 stars). 2 submissions from 2 submitters: Benign (2). Last evaluated 2019-07-12.

Conditions:
MELAS syndrome (MELAS). Also called: Juvenile myopathy, encephalopathy, lactic acidosis, stroke. Identifiers: Orphanet 550, MedGen C0162671, MONDO:0010789, OMIM 540000.

Submissions (2):

Wong Mito Lab, Molecular and Human Genetics, Baylor College of Medicine
Classification: Benign for MELAS syndrome. Last evaluated: 2019-07-12. Review status: criteria provided, single submitter. Criteria: Modified ACMG Guidelines (Unpublished). Collection method: clinical testing. Allele origin: germline.
Comment: The NC_012920.1:m.4370T>C variant in MT-TQ gene is interpreted to be a Benign variant based on the modified ACMG guidelines (unpublished). This variant meets the following evidence codes reported in the guidelines: BS1, BS4, BP4

Athena Diagnostics
Classification: Benign. Last evaluated: 2018-11-19. Review status: criteria provided, single submitter. Criteria: Athena Diagnostics Criteria. Collection method: clinical testing. Allele origin: germline.

Literature cited by the submitters: PubMed 31965079 (cited by Wong Mito Lab, Molecular and Human Genetics, Baylor College of Medicine); PubMed 16947981 (cited by Athena Diagnostics); PubMed 15233983 (cited by Athena Diagnostics).

NC_012920.1(MT-TQ):m.4370T>C

Gene: MT-TQ (mitochondrially encoded tRNA glutamine; minus strand).
Variant type: single nucleotide variant.
Genome position: chrM-4370-T-C.
Identifiers: ClinVar variation 689893 (VCV000689893.2), dbSNP rs1603219427, ClinGen allele CA913177897.
Genomic context (GRCh38, chrMT:4,370, plus strand): 5'-AGCTTAAACCCCCTTATTTCTAGGACTATGAGAATCGAACCCATCCCTGAGAATCCAAAA[T>C]TCTCCGTGCCACCTATCACACCCCATCCTAAAGTAAGGTCAGCTAAATAAGCTATCGGGC-3'